The following is an entry in ClinVar:

NM_006206.6(PDGFRA):c.3165C>G (p.Ser1055Arg)

Gene: PDGFRA (platelet derived growth factor receptor alpha; plus strand). Cytogenetic location: 4q12.
Variant type: single nucleotide variant.
Coding change: c.3165C>G on transcript NM_006206.6 (MANE Select); coding-DNA position 3165, C replaced by G.
Protein change: p.Ser1055Arg; replaces serine 1055 with arginine.
Molecular consequence: missense variant.
Genome position (GRCh38, 1-based): chr4:54,295,167, C>G. VCF-style: chr4-54295167-C-G. GRCh37 (hg19) VCF-style: chr4-55161334-C-G.
Other names: c.3240C>G, p.Ser1080Arg (NM_001347828.2); c.3165C>G, p.Ser1055Arg (NM_001347829.2); c.3204C>G, p.Ser1068Arg (NM_001347830.2); short protein forms S1055R, S1068R, S1080R.
Identifiers: ClinVar variation 2095938 (VCV002095938.4), dbSNP rs2110358611, ClinGen allele CA356896533.
Genomic context (GRCh38, chr4:54,295,167, plus strand): 5'-CTTCTCTCCCTCCTCCAGCTCGCAGACCTCTGAAGAGAGTGCCATTGAGACGGGTTCCAG[C>G]AGTTCCACCTTCATCAAGAGAGAGGACGAGACCATTGAAGACATCGACATGATGGATGAC-3'
Protein context (NP_006197.1, residues 1045-1065): SEESAIETGS[Ser1055Arg]SSTFIKREDE

ClinVar aggregate classification (germline): Uncertain significance (1 of 4 stars; one submission).

Conditions:
Gastrointestinal stromal tumor. Also called: Gastrointestinal stroma tumor; Gastrointestinal stromal tumor, somatic. Identifiers: Orphanet 44890, MedGen C0238198, MeSH D046152, MONDO:0011719, OMIM 606764, HP:0100723.

Submission:

Labcorp Genetics (formerly Invitae), Labcorp
Classification: Uncertain significance for Gastrointestinal stromal tumor. Last evaluated: 2022-02-10. Review status: criteria provided, single submitter. Criteria: Invitae Variant Classification Sherloc (09022015). Collection method: clinical testing. Allele origin: germline.
Comment: This variant has not been reported in the literature in individuals affected with PDGFRA-related conditions. In summary, the available evidence is currently insufficient to determine the role of this variant in disease. Therefore, it has been classified as a Variant of Uncertain Significance. Algorithms developed to predict the effect of missense changes on protein structure and function are either unavailable or do not agree on the potential impact of this missense change (SIFT: "Tolerated"; PolyPhen-2: "Probably Damaging"; Align-GVGD: "Class C0"). This variant is not present in population databases (gnomAD no frequency). This sequence change replaces serine, which is neutral and polar, with arginine, which is basic and polar, at codon 1055 of the PDGFRA protein (p.Ser1055Arg).